The following is an entry in ClinVar:

NM_030805.4(LMAN2L):c.867G>A (p.Val289=)

Gene: LMAN2L (lectin, mannose binding 2 like; minus strand). Cytogenetic location: 2q11.2.
Variant type: single nucleotide variant.
Coding change: c.867G>A on transcript NM_030805.4 (MANE Select); coding-DNA position 867, G replaced by A.
Protein change: p.Val289=; no amino-acid change (valine 289 retained).
Molecular consequence: synonymous variant.
Genome position (GRCh38, 1-based): chr2:96,707,751, C>T on the plus strand (G>A on the coding strand, the complement: LMAN2L is on the minus strand). VCF-style: chr2-96707751-C-T. GRCh37 (hg19) VCF-style: chr2-97373488-C-T.
Other names: c.900G>A, p.Val300= (NM_001142292.2); c.465G>A, p.Val155= (NM_001322346.2, NM_001322354.2); c.486G>A, p.Val162= (NM_001322347.2, NM_001322352.2); c.453G>A, p.Val151= (NM_001322350.2); c.432G>A, p.Val144= (NM_001322351.2, NM_001322355.2, NM_001322356.2).
Identifiers: ClinVar variation 1012955 (VCV001012955.38), dbSNP rs373872984, ClinGen allele CA1782843.
Genomic context (GRCh38, chr2:96,707,751, plus strand): 5'-TTCCCGCGGGCCCCTGTGCTCACTCTCAGGCAGCTTCATATTGTCCACTGAGGGCAAGAA[C>T]ACATCTCGATGGAGCTTTTCCTCTTCTGGGGTTCTCTCCACTGTCAGTTCAAACAACTTC-3'
Protein context (NP_110432.1, residues 279-299): TPEEEKLHRD[Val289=]FLPSVDNMKL

ClinVar aggregate classification (germline): Likely benign (1 of 4 stars; one submission).

Allele frequency attached by ClinVar (database versions not stated): gnomAD 0.00001 and 0.00013; TOPMed 0.00003; gnomAD exomes 0.00031 and 0.00060; ExAC 0.00072; 1000 Genomes Project 30x 0.00078; 1000 Genomes Project 0.00080.
gnomAD v4.1: 463 of 1,614,148 alleles (0.029%); highest among the groups gnomAD compares: South Asian, 0.49%; 4 homozygotes.

Submission:

CeGaT Center for Human Genetics Tuebingen
Classification: Likely benign. Last evaluated: 2023-04-01. Review status: criteria provided, single submitter. Criteria: CeGaT Center For Human Genetics Tuebingen Variant Classification Criteria Version 2. Collection method: clinical testing. Allele origin: germline. Affected: yes. Observed: 2 variant alleles.
Comment: LMAN2L: BP4, BP7